The following is an entry in ClinVar:

ClinVar aggregate classification (germline): Conflicting classifications of pathogenicity. Review status: criteria provided, conflicting classifications (1 of 4 stars). 11 submissions from 11 submitters: Pathogenic (4); Likely pathogenic (4); Uncertain significance (3). Last evaluated 2026-05-12.

Conditions:
Familial intrahepatic cholestasis. Identifiers: Orphanet 284385, MedGen CN296401, MONDO:0017290.
Low phospholipid associated cholelithiasis (GBD1). Also called: Gallbladder disease 1; Gallstone cholecystitis. Identifiers: Orphanet 69663, MedGen C2609268, MONDO:0010939, OMIM 600803.
ABCB4-related disorder. Also called: ABCB4-related disorders; ABCB4-related condition.
Inborn genetic diseases. Identifiers: MedGen C0950123, MeSH D030342.
Progressive familial intrahepatic cholestasis (PFIC). Also called: Progressive intrahepatic cholestasis; Progressive family intrahepatic cholestasis. Identifiers: Orphanet 172, MedGen C0268312, MONDO:0015762.
Progressive familial intrahepatic cholestasis type 3. Also called: MDR3 DEFICIENCY; Low Gamma-GT Familial Intrahepatic Cholestasis. Identifiers: Orphanet 79305, MedGen C1865643, MONDO:0011214, OMIM 602347.
Cholestasis, intrahepatic, of pregnancy, 3. Identifiers: Orphanet 69665, MedGen C3554241, MONDO:0013995, OMIM 614972.

Allele frequency attached by ClinVar (database versions not stated): gnomAD 0.00006; gnomAD exomes 0.00007 and 0.00009; ExAC 0.00008; ESP Exome Variant Server 0.00008; TOPMed 0.00009.
gnomAD v4.1: 123 of 1,612,680 alleles (0.0076%); highest among the groups gnomAD compares: Middle Eastern, 0.066%; no homozygotes.

Submissions (11):

PreventionGenetics, part of Exact Sciences
Classification: Likely pathogenic for ABCB4-related condition. Last evaluated: 2026-05-12. Review status: criteria provided, single submitter. Criteria: ACMG Guidelines, 2015. Collection method: clinical testing. Allele origin: germline.
Comment: The ABCB4 c.140G>A variant is predicted to result in the amino acid substitution p.Arg47Gln. This variant was reported in the compound heterozygous or homozygous states in individuals with low phospholipid associated cholelithiasis (Wendum et al 2012. PubMed ID: 22331132; Frider et al 2015. PubMed ID: 26256905; Poupon et al. 2013. PubMed ID: 23533021; Khabou et al. 2019. PubMed ID: 31181191) and functional studies indicated that it may cause reduced protein levels (Frider et al 2015. PubMed ID: 26256905). This variant is reported in 0.017% of alleles in individuals of Latino descent in gnomAD. Taken together, we classify this variant as likely pathogenic.

Genomenon, Inc
Classification: Likely pathogenic for Familial intrahepatic cholestasis; Low phospholipid associated cholelithiasis. Last evaluated: 2026-04-14. Review status: criteria provided, single submitter. Criteria: Genomenon Sequence Variant Interpretation Standards - Updated. Collection method: curation. Allele origin: germline. Affected: yes.
Comment: ABCB4 p.Arg47Gln (c.140G>A) is a missense variant that changes the amino acid at residue 47 from Arginine to Glutamine. This variant has been observed in at least one proband with an ABCB4-related disorder (PMID:38610052;37701337;36277956;31181191;30449124;29761167;28924228;20537830;26256905). The variant was found to segregate with disease in at least one affected family (PMID:20537830). Functional studies have been reported (PMID:26256905). It is absent or not present at a significant frequency in gnomAD. In silico models predict that this variant is possibly or probably damaging. In conclusion, we classify ABCB4 p.Arg47Gln (c.140G>A) as a likely pathogenic variant.

Dasa
Classification: Pathogenic. Last evaluated: 2026-03-27. Review status: criteria provided, single submitter. Criteria: DASA Assertion Criteria. Collection method: clinical testing. Allele origin: germline.
Comment: NM_000443.4(ABCB4):c.140G>A (p.Arg47Gln) is a missense variant that results in the substitution of arginine with glutamine. Functional evidence supports a deleterious effect on the gene or gene product (PMID: 23533021; PMID: 26256905; PMID: 28924228; PMID: 29761167; PMID: 30449124). This variant has been recurrently observed in individuals with related phenotype (PMID: 23533021; PMID: 26256905; PMID: 28924228; PMID: 29761167; PMID: 30449124). Segregation evidence has been reported in affected families. Multiple computational predictions support a deleterious effect on the gene or gene product. The variant is present at low frequency in population datasets. Based on the available data, this variant is classified as pathogenic.

Labcorp Genetics (formerly Invitae), Labcorp
Classification: Pathogenic. Last evaluated: 2026-01-05. Review status: criteria provided, single submitter. Criteria: Invitae Variant Classification Sherloc (09022015). Collection method: clinical testing. Allele origin: germline.
Comment: This sequence change replaces arginine, which is basic and polar, with glutamine, which is neutral and polar, at codon 47 of the ABCB4 protein (p.Arg47Gln). This variant is present in population databases (rs372685632, gnomAD 0.01%). This missense change has been observed in individuals with clinical features of autosomal recessive ABCB4-related conditions (PMID: 20537830, 23533021, 26256905, 28924228, 29761167, 30449124, 31181191, 31538484, 37701337). It has also been observed to segregate with disease in related individuals. ClinVar contains an entry for this variant (Variation ID: 197144). Invitae Evidence Modeling of protein sequence and biophysical properties (such as structural, functional, and spatial information, amino acid conservation, physicochemical variation, residue mobility, and thermodynamic stability) indicates that this missense variant is not expected to disrupt ABCB4 protein function with a negative predictive value of 80%. Studies have shown that this missense change alters ABCB4 gene expression (PMID: 26256905, 31181191). For these reasons, this variant has been classified as Pathogenic.

Women's Health and Genetics/Laboratory Corporation of America, LabCorp
Classification: Pathogenic for Progressive familial intrahepatic cholestasis. Last evaluated: 2025-05-21. Review status: criteria provided, single submitter. Criteria: LabCorp Variant Classification Summary - May 2015. Collection method: clinical testing. Allele origin: germline.
Comment: Variant summary: ABCB4 c.140G>A (p.Arg47Gln) results in a conservative amino acid change in the encoded protein sequence. Algorithms developed to predict the effect of missense changes on protein structure and function are either unavailable or do not agree on the potential impact of this missense change. The variant allele was found at a frequency of 8.8e-05 in 250894 control chromosomes. This frequency is not significantly higher than estimated for a pathogenic variant in ABCB4 causing Familial Intrahepatic Cholestasis (8.8e-05 vs 0.0022), allowing no conclusion about variant significance. c.140G>A has been observed in multiple individuals affected with autosomal recessive Familial Intrahepatic Cholestasis (example, Poupon_2010, Frider_2015, Huynh_2019, Khabou_2019) including at least 1 family where it segregated with disease. These data indicate that the variant is very likely to be associated with disease. At least one publication reports experimental evidence evaluating an impact on protein function. The most pronounced variant effect results in 10%-<30% of normal protein expression in vitro, however protein localization results were not impacted (example, Frider_2015). The following publications have been ascertained in the context of this evaluation (PMID: 20537830, 28924228, 31538484, 22331132, 26256905, 31181191, 29761167). ClinVar contains an entry for this variant (Variation ID: 197144). To our knowledge, this variant has not been reported in individuals with autosomal dominant ABCB4-related conditions. Based on the evidence outlined above, the variant was classified as pathogenic for autosomal recessive familial intrahepatic cholestasis.

CeGaT Center for Human Genetics Tuebingen
Classification: Pathogenic. Last evaluated: 2024-12-01. Review status: criteria provided, single submitter. Criteria: CeGaT Center For Human Genetics Tuebingen Variant Classification Criteria Version 2. Collection method: clinical testing. Allele origin: germline. Affected: yes. Observed: 2 variant alleles.
Comment: ABCB4: PM3:Strong, PM2, PM5, PS3:Moderate

Fulgent Genetics
Classification: Likely pathogenic for Low phospholipid associated cholelithiasis; Progressive familial intrahepatic cholestasis type 3; Cholestasis, intrahepatic, of pregnancy, 3. Last evaluated: 2024-04-03. Review status: criteria provided, single submitter. Criteria: ACMG Guidelines, 2015. Collection method: clinical testing. Allele origin: germline.

Revvity Omics, Revvity
Classification: Likely pathogenic. Last evaluated: 2023-08-14. Review status: criteria provided, single submitter. Criteria: ACMG Guidelines, 2015. Collection method: clinical testing. Allele origin: germline.

Ambry Genetics
Classification: Uncertain significance for Inborn genetic diseases. Last evaluated: 2023-06-26. Review status: criteria provided, single submitter. Criteria: Ambry Variant Classification Scheme 2023. Collection method: clinical testing. Allele origin: germline.
Comment: The c.140G>A (p.R47Q) alteration is located in exon 4 (coding exon 3) of the ABCB4 gene. This alteration results from a G to A substitution at nucleotide position 140, causing the arginine (R) at amino acid position 47 to be replaced by a glutamine (Q). Based on data from gnomAD, the A allele has an overall frequency of 0.009% (22/250894) total alleles studied. The highest observed frequency was 0.049% (3/6110) of Other alleles. This variant has been detected as homozygous, heterozygous, and in conjunction with a ABCB4 variant of unknown significance in multiple individuals with clinical features of ABCB4 deficiency (Poupon, 2010; Dixon, 2017; Huynh, 2019; Khabou, 2019; Huynh, 2019; Almes, 2022). This amino acid position is highly conserved in available vertebrate species. A functional study shows the alteration results in reduced expression compared to wild type ABCB4 (Frider, 2015). The in silico prediction for this alteration is inconclusive. Based on insufficient or conflicting evidence, the clinical significance of this alteration remains unclear.

Eurofins Ntd Llc (ga)
Classification: Uncertain significance. Last evaluated: 2018-03-15. Review status: criteria provided, single submitter. Criteria: EGL ClinVar v180209 classification definitions. Collection method: clinical testing. Allele origin: germline. Observed: 2 variant alleles, 2 heterozygotes.

GeneDx
Classification: Uncertain significance. Last evaluated: 2017-06-28. Review status: criteria provided, single submitter. Criteria: GeneDx Variant Classification (06012015). Collection method: clinical testing. Allele origin: germline. Affected: yes.
Comment: The R47Q variant has been reported previously in patients with PFIC3, LPAC, and IPC who also harbored another ABCB4 gene variant (Davit-Spraul et al., 2010; Poupon et al., 2013; Frider et al., 2015). Expression studies revealed that R47Q is associated with reduced protein levels compared to wild-type, however R47Q was not associated with altered protein localization (Frider et al., 2015). The R47Q variant is observed in 2/11396 (0.02%) alleles from individuals of Latino background, in large population cohorts (Lek et al., 2016; 1000 Genomes Consortium et al., 2015; Exome Variant Server). The R47Q variant is a semi-conservative amino acid substitution, which may impact secondary protein structure as these residues differ in some properties. This substitution occurs at a position that is conserved across species. In silico analysis predicts this variant is probably damaging to the protein structure/function. In summary, based on the currently available information, it is unclear whether this variant is a pathogenic variant or a rare benign variant.

Literature cited by the submitters: PubMed 38610052 (cited by Genomenon, Inc); PubMed 37701337 (cited by Genomenon, Inc and Labcorp Genetics (formerly Invitae), Labcorp); PubMed 36277956 (cited by Genomenon, Inc); PubMed 31181191 (cited by 5 submitters); PubMed 30449124 (cited by 4 submitters); PubMed 29761167 (cited by 4 submitters); PubMed 28924228 (cited by 5 submitters); PubMed 20537830 (cited by 5 submitters); PubMed 26256905 (cited by 5 submitters); PubMed 23533021 (cited by 3 submitters); PubMed 31538484 (cited by 4 submitters); PubMed 22331132 (cited by Women's Health and Genetics/Laboratory Corporation of America, LabCorp and Eurofins Ntd Llc (ga)); PubMed 35626323 (cited by Ambry Genetics).

NM_000443.4(ABCB4):c.140G>A (p.Arg47Gln)

Gene: ABCB4 (ATP binding cassette subfamily B member 4; minus strand). Cytogenetic location: 7q21.12.
Variant type: single nucleotide variant.
Coding change: c.140G>A on transcript NM_000443.4 (MANE Select); coding-DNA position 140, G replaced by A.
Protein change: p.Arg47Gln; replaces arginine 47 with glutamine.
Molecular consequence: missense variant.
Genome position (GRCh38, 1-based): chr7:87,462,904, C>T on the plus strand (G>A on the coding strand, the complement: ABCB4 is on the minus strand). VCF-style: chr7-87462904-C-T. GRCh37 (hg19) VCF-style: chr7-87092220-C-T.
Other names: c.140G>A, p.Arg47Gln (NM_018849.3, NM_018850.3); short protein forms R47Q.
Identifiers: ClinVar variation 197144 (VCV000197144.59), dbSNP rs372685632, ClinGen allele CA245112.
Genomic context (GRCh38, chr7:87,462,904, plus strand): 5'-TGAGCTATGGCCATGATGGTACCCAGCGACATAAACAATTTATCCTGCCAATCGGAGTAT[C>T]GAAACTAAAAAAAGGAAATAAAATAATACTTAGCTGTGGAATGGAATTTCTCCTCTTCCA-3'
Protein context (NP_000434.1, residues 37-57): VKMIGVLTLF[Arg47Gln]YSDWQDKLFM